The following is an entry in ClinVar:

NM_004958.4(MTOR):c.982A>C (p.Asn328His)

Gene: MTOR (mechanistic target of rapamycin kinase; minus strand). Cytogenetic location: 1p36.22.
Variant type: single nucleotide variant.
Coding change: c.982A>C on transcript NM_004958.4 (MANE Select); coding-DNA position 982, A replaced by C.
Protein change: p.Asn328His; replaces asparagine 328 with histidine.
Molecular consequence: missense variant. On other transcripts: 5 prime UTR variant (1).
Genome position (GRCh38, 1-based): chr1:11,247,953, T>G on the plus strand (A>C on the coding strand, the complement: MTOR is on the minus strand). VCF-style: chr1-11247953-T-G. GRCh37 (hg19) VCF-style: chr1-11308010-T-G.
Other names: c.982A>C, p.Asn328His (NM_001386500.1); c.-158A>C (NM_001386501.1); short protein forms N328H.
Identifiers: ClinVar variation 2792824 (VCV002792824.3), dbSNP rs2523388611, ClinGen allele CA338400004.

ClinVar aggregate classification (germline): Uncertain significance (1 of 4 stars; one submission).

Submission:

Labcorp Genetics (formerly Invitae), Labcorp
Classification: Uncertain significance. Last evaluated: 2023-02-14. Review status: criteria provided, single submitter. Criteria: Invitae Variant Classification Sherloc (09022015). Collection method: clinical testing. Allele origin: germline.
Comment: This sequence change replaces asparagine, which is neutral and polar, with histidine, which is basic and polar, at codon 328 of the MTOR protein (p.Asn328His). This variant is not present in population databases (gnomAD no frequency). This variant has not been reported in the literature in individuals affected with MTOR-related conditions. Advanced modeling of protein sequence and biophysical properties (such as structural, functional, and spatial information, amino acid conservation, physicochemical variation, residue mobility, and thermodynamic stability) performed at Invitae indicates that this missense variant is not expected to disrupt MTOR protein function. In summary, the available evidence is currently insufficient to determine the role of this variant in disease. Therefore, it has been classified as a Variant of Uncertain Significance.